The following is an entry in ClinVar:

NM_017763.6(RNF43):c.1249G>C (p.Gly417Arg)

Gene: RNF43 (ring finger protein 43; minus strand). Cytogenetic location: 17q22.
Variant type: single nucleotide variant.
Coding change: c.1249G>C on transcript NM_017763.6 (MANE Select); coding-DNA position 1249, G replaced by C.
Protein change: p.Gly417Arg; replaces glycine 417 with arginine.
Molecular consequence: missense variant.
Genome position (GRCh38, 1-based): chr17:58,358,527, C>G on the plus strand (G>C on the coding strand, the complement: RNF43 is on the minus strand). VCF-style: chr17-58358527-C-G. GRCh37 (hg19) VCF-style: chr17-56435888-C-G.
Other names: c.1249G>C, p.Gly417Arg (NM_001305544.3); c.868G>C, p.Gly290Arg (NM_001305545.2); c.1249G>C (NM_017763.4); short protein forms G290R, G417R.
Identifiers: ClinVar variation 2678427 (VCV002678427.2), dbSNP rs1972754430, ClinGen allele CA400330649.

ClinVar aggregate classification (germline): Uncertain significance. Review status: criteria provided, multiple submitters, no conflicts (2 of 4 stars). 2 submissions from 2 submitters: Uncertain significance (2). Last evaluated 2025-03-15.

Conditions:
Sessile serrated polyposis cancer syndrome (SSPCS). Identifiers: Orphanet 157798, MedGen C4310714, MONDO:0014919, OMIM 617108.

Allele frequency attached by ClinVar (database versions not stated): gnomAD exomes below 0.00001; gnomAD 0.00001.
gnomAD v4.1: 2 of 1,613,214 alleles (0.00012%); highest among the groups gnomAD compares: Middle Eastern, 0.016%; no homozygotes.

Submissions (2):

Ambry Genetics
Classification: Uncertain significance. Last evaluated: 2025-03-15. Review status: criteria provided, single submitter. Criteria: Ambry Variant Classification Scheme 2023. Collection method: clinical testing. Allele origin: germline.
Comment: The p.G417R variant (also known as c.1249G>C), located in coding exon 8 of the RNF43 gene, results from a G to C substitution at nucleotide position 1249. The glycine at codon 417 is replaced by arginine, an amino acid with dissimilar properties. This amino acid position is conserved. In addition, this alteration is predicted to be tolerated by in silico analysis. Based on the available evidence, the clinical significance of this variant remains unclear.

Baylor Genetics
Classification: Uncertain significance for Sessile serrated polyposis cancer syndrome. Last evaluated: 2023-05-10. Review status: criteria provided, single submitter. Criteria: ACMG Guidelines, 2015. Collection method: clinical testing. Allele origin: unknown.